The following is an entry in ClinVar:

ClinVar aggregate classification (germline): Uncertain significance (1 of 4 stars; one submission).

Allele frequency attached by ClinVar (database versions not stated): gnomAD exomes below 0.00001; gnomAD 0.00001; TOPMed 0.00003.
gnomAD v4.1: 2 of 1,613,850 alleles (0.00012%); highest among the groups gnomAD compares: African/African-American, 0.0027%; no homozygotes.

Submission:

Labcorp Genetics (formerly Invitae), Labcorp
Classification: Uncertain significance. Last evaluated: 2024-05-06. Review status: criteria provided, single submitter. Criteria: Invitae Variant Classification Sherloc (09022015). Collection method: clinical testing. Allele origin: germline.
Comment: This sequence change replaces isoleucine, which is neutral and non-polar, with valine, which is neutral and non-polar, at codon 121 of the CCT2 protein (p.Ile121Val). This variant is not present in population databases (gnomAD no frequency). This variant has not been reported in the literature in individuals affected with CCT2-related conditions. ClinVar contains an entry for this variant (Variation ID: 1413056). An algorithm developed to predict the effect of missense changes on protein structure and function (PolyPhen-2) suggests that this variant is likely to be tolerated. In summary, the available evidence is currently insufficient to determine the role of this variant in disease. Therefore, it has been classified as a Variant of Uncertain Significance.

NM_006431.3(CCT2):c.361A>G (p.Ile121Val)

Gene: CCT2 (chaperonin containing TCP1 subunit 2; plus strand). Cytogenetic location: 12q15.
Variant type: single nucleotide variant.
Coding change: c.361A>G on transcript NM_006431.3 (MANE Select); coding-DNA position 361, A replaced by G.
Protein change: p.Ile121Val; replaces isoleucine 121 with valine.
Molecular consequence: missense variant.
Genome position (GRCh38, 1-based): chr12:69,588,177, A>G. VCF-style: chr12-69588177-A-G. GRCh37 (hg19) VCF-style: chr12-69981957-A-G.
Other names: c.220A>G, p.Ile74Val (NM_001198842.2); short protein forms I121V, I74V.
Identifiers: ClinVar variation 1413056 (VCV001413056.6), dbSNP rs1306581384, ClinGen allele CA385724879.